The following is an entry in ClinVar:

NM_000551.4(VHL):c.225C>T (p.Ile75=)

Gene: VHL (von Hippel-Lindau tumor suppressor; plus strand). Cytogenetic location: 3p25.3.
Variant type: single nucleotide variant.
Coding change: c.225C>T on transcript NM_000551.4 (MANE Select); coding-DNA position 225, C replaced by T.
Protein change: p.Ile75=; no amino-acid change (isoleucine 75 retained).
Molecular consequence: synonymous variant.
Genome position (GRCh38, 1-based): chr3:10,142,072, C>T. VCF-style: chr3-10142072-C-T. GRCh37 (hg19) VCF-style: chr3-10183756-C-T.
Other names: c.225C>T, p.Ile75= (NM_001354723.2, NM_198156.3).
Identifiers: ClinVar variation 382260 (VCV000382260.14), dbSNP rs768104793, ClinGen allele CA039864.

ClinVar aggregate classification (germline): Benign/Likely benign. Review status: criteria provided, multiple submitters, no conflicts (2 of 4 stars). 4 submissions from 4 submitters: Benign (1); Likely benign (3). Last evaluated 2025-10-09.

Conditions:
Von Hippel-Lindau syndrome (VHLS). Also called: Von Hippel-Lindau; VHL syndrome; von Hippel–Lindau syndrome. Identifiers: Orphanet 892, MedGen C0019562, MONDO:0008667, OMIM 193300. Disease mechanism: loss of function.
Chuvash polycythemia. Also called: POLYCYTHEMIA, VHL-DEPENDENT. Identifiers: Orphanet 238557, MedGen C1837915, MONDO:0009892, OMIM 263400.
Hereditary cancer-predisposing syndrome. Also called: Hereditary neoplastic syndrome; Tumor predisposition; Neoplastic Syndromes, Hereditary; Hereditary Cancer Syndrome. Identifiers: Orphanet 140162, MedGen C0027672, MeSH D009386, MONDO:0015356.

Allele frequency attached by ClinVar (database versions not stated): ExAC 0.00001; gnomAD 0.00001; TOPMed 0.00002.
gnomAD v4.1: 4 of 1,607,120 alleles (0.00025%); highest among the groups gnomAD compares: Admixed American, 0.0033%; no homozygotes.

Submissions (4):

Labcorp Genetics (formerly Invitae), Labcorp
Classification: Likely benign for Von Hippel-Lindau syndrome; Chuvash polycythemia. Last evaluated: 2025-10-09. Review status: criteria provided, single submitter. Criteria: Invitae Variant Classification Sherloc (09022015). Collection method: clinical testing. Allele origin: germline.

Myriad Genetics, Inc.
Classification: Benign for Von Hippel-Lindau syndrome. Last evaluated: 2025-06-10. Review status: criteria provided, single submitter. Criteria: Myriad Autosomal Dominant, Autosomal Recessive and X-Linked Classification Criteria (2023). Collection method: clinical testing. Allele origin: unknown.
Comment: This variant is considered benign. This variant is a silent/synonymous amino acid change and it is not expected to impact splicing.

Ambry Genetics
Classification: Likely benign for Hereditary cancer-predisposing syndrome. Last evaluated: 2021-07-30. Review status: criteria provided, single submitter. Criteria: Ambry Variant Classification Scheme 2023. Collection method: clinical testing. Allele origin: germline.

GeneDx
Classification: Likely benign. Last evaluated: 2015-12-07. Review status: criteria provided, single submitter. Criteria: GeneDx Variant Classification (06012015). Collection method: clinical testing. Allele origin: germline. Affected: yes.
Comment: This variant is considered likely benign or benign based on one or more of the following criteria: it is a conservative change, it occurs at a poorly conserved position in the protein, it is predicted to be benign by multiple in silico algorithms, and/or has population frequency not consistent with disease.